The following is an entry in ClinVar:

ClinVar aggregate classification (germline): Uncertain significance (1 of 4 stars; one submission).

Allele frequency attached by ClinVar (database versions not stated): gnomAD exomes below 0.00001; ExAC 0.00001.
gnomAD v4.1: 2 of 1,613,914 alleles (0.00012%); highest among the groups gnomAD compares: Non-Finnish European, 0.00017%; no homozygotes.

Submission:

Labcorp Genetics (formerly Invitae), Labcorp
Classification: Uncertain significance. Last evaluated: 2021-04-27. Review status: criteria provided, single submitter. Criteria: Invitae Variant Classification Sherloc (09022015). Collection method: clinical testing. Allele origin: germline.
Comment: In summary, the available evidence is currently insufficient to determine the role of this variant in disease. Therefore, it has been classified as a Variant of Uncertain Significance. Algorithms developed to predict the effect of sequence changes on RNA splicing suggest that this variant may create or strengthen a splice site, but this prediction has not been confirmed by published transcriptional studies. Algorithms developed to predict the effect of missense changes on protein structure and function are either unavailable or do not agree on the potential impact of this missense change (SIFT: "Deleterious"; PolyPhen-2: "Probably Damaging"; Align-GVGD: "Class C0"). This variant has not been reported in the literature in individuals with MYO5B-related conditions. This variant is present in population databases (rs771703731, ExAC 0.006%). This sequence change replaces arginine with glutamine at codon 1700 of the MYO5B protein (p.Arg1700Gln). The arginine residue is highly conserved and there is a small physicochemical difference between arginine and glutamine.

NM_001080467.3(MYO5B):c.5099G>A (p.Arg1700Gln)

Genes: MYO5B (myosin VB; minus strand), SNHG22 (small nucleolar RNA host gene 22; plus strand). Cytogenetic location: 18q21.1.
Variant type: single nucleotide variant.
Coding change: c.5099G>A on transcript NM_001080467.3 (MANE Select); coding-DNA position 5099, G replaced by A.
Protein change: p.Arg1700Gln; replaces arginine 1700 with glutamine.
Molecular consequence: missense variant.
Genome position (GRCh38, 1-based): chr18:49,837,556, C>T on the plus strand (G>A on the coding strand, the complement: MYO5B is on the minus strand). VCF-style: chr18-49837556-C-T. GRCh37 (hg19) VCF-style: chr18-47363926-C-T.
Other names: short protein forms R1700Q.
Identifiers: ClinVar variation 1479703 (VCV001479703.8), dbSNP rs771703731, ClinGen allele CA8960148.
Genomic context (GRCh38, chr18:49,837,556, plus strand): 5'-TGGGGGGTGCTCCTCCCTTACCTGAGTTGCATGCCTGTGCTCCAAGAGCAGACGTCCTTC[C>T]GCAAGAGCAGGTTGTTAAGAGTCACTGCGTTGATCATGTAGAAGAGCTGTTTGAATACCT-3'
Protein context (NP_001073936.1, residues 1690-1710): NAVTLNNLLL[Arg1700Gln]KDVCSWSTGM